The following is an entry in ClinVar:

NM_001135998.3(NDUFB11):c.338+12del

Gene: NDUFB11 (NADH:ubiquinone oxidoreductase subunit B11; minus strand). Cytogenetic location: Xp11.3.
Variant type: Deletion.
Coding change: c.338+12del on transcript NM_001135998.3 (MANE Select); 12 bases into the intron after coding-DNA position 338, one base deleted (G; older notation c.338+12delG).
Molecular consequence: intron variant. On other transcripts: frameshift variant (1).
Genome position (GRCh38, 1-based): chrX:47,142,602, C deleted on the plus strand (G on the coding strand, the reverse complement: NDUFB11 is on the minus strand). VCF-style (leftmost placement, unchanged base first): chrX-47142601-AC-A. GRCh37 (hg19) VCF-style: chrX-47002000-AC-A.
Other names: c.350del, p.Cys117fs (NM_019056.7); short protein forms C117fs.
Identifiers: ClinVar variation 4077077 (VCV004077077.1).

ClinVar aggregate classification (germline): Likely pathogenic (1 of 4 stars; one submission).

Conditions:
Linear skin defects with multiple congenital anomalies 3 (LSDMCA3). Also called: LINEAR SKIN DEFECTS WITH CARDIOMYOPATHY AND OTHER CONGENITAL ANOMALIES. Identifiers: Orphanet 2556, MedGen C4225421, MONDO:0010494, OMIM 300952.

Submission:

MVZ Medizinische Genetik Mainz
Classification: Likely pathogenic for Linear skin defects with multiple congenital anomalies 3. Last evaluated: 2025-02-04. Review status: criteria provided, single submitter. Criteria: UK Practice Guidelines For Variant Classification V4 01 2020. Collection method: clinical testing. Allele origin: germline. Inheritance: X-linked dominant inheritance. Affected: yes. Observed: 1 variant allele.
Comment: ACMG Criteria: PVS1,PM2_SUP